The following is an entry in ClinVar:

ClinVar aggregate classification (germline): Uncertain significance. Review status: criteria provided, multiple submitters, no conflicts (2 of 4 stars). 2 submissions from 2 submitters: Uncertain significance (2). Last evaluated 2025-03-04.

Submissions (2):

Center for Genomic Medicine, Rigshospitalet, Copenhagen University Hospital
Classification: Uncertain significance. Last evaluated: 2025-03-04. Review status: criteria provided, single submitter. Criteria: ACMG Guidelines, 2015. Collection method: clinical testing. Allele origin: germline.

Women's Health and Genetics/Laboratory Corporation of America, LabCorp
Classification: Uncertain significance. Last evaluated: 2024-05-13. Review status: criteria provided, single submitter. Criteria: LabCorp Variant Classification Summary - May 2015. Collection method: clinical testing. Allele origin: germline.
Comment: Variant summary: ATM c.7338G>C (p.Glu2446Asp) results in a conservative amino acid change located in the PIK-related kinase, FAT (IPR003151) of the encoded protein sequence. Three of five in-silico tools predict a benign effect of the variant on protein function. The frequency data for this variant in gnomAD is considered unreliable, as metrics indicate poor data quality at this position. To our knowledge, no occurrence of c.7338G>C in individuals affected with Ataxia-Telangiectasia and no experimental evidence demonstrating its impact on protein function have been reported. ClinVar contains an entry for this variant (Variation ID: 2691913). Based on the evidence outlined above, the variant was classified as uncertain significance.

NM_000051.4(ATM):c.7338G>C (p.Glu2446Asp)

Genes: ATM (ATM serine/threonine kinase; plus strand), C11orf65 (chromosome 11 open reading frame 65; minus strand). Cytogenetic location: 11q22.3.
Variant type: single nucleotide variant.
Coding change: c.7338G>C on transcript NM_000051.4 (MANE Select); coding-DNA position 7338, G replaced by C.
Protein change: p.Glu2446Asp; replaces glutamic acid 2446 with aspartic acid.
Molecular consequence: missense variant. On other transcripts: intron variant (2).
Genome position (GRCh38, 1-based): chr11:108,330,244, G>C. VCF-style: chr11-108330244-G-C. GRCh37 (hg19) VCF-style: chr11-108200971-G-C.
Other names: c.7338G>C, p.Glu2446Asp (NM_001351834.2); c.641-21173C>G (NM_001330368.2); c.*38+4976C>G (NM_001351110.2); short protein forms E2446D.
Identifiers: ClinVar variation 2691913 (VCV002691913.3), dbSNP rs2136453646, ClinGen allele CA382559914.